The following is an entry in ClinVar:

ClinVar aggregate classification (germline): Uncertain significance. Review status: criteria provided, multiple submitters, no conflicts (2 of 4 stars). 2 submissions from 2 submitters: Uncertain significance (2). Last evaluated 2025-05-21.

Conditions:
Inborn genetic diseases. Identifiers: MedGen C0950123, MeSH D030342.
Charcot-Marie-Tooth disease type 2. Also called: Charcot-Marie-Tooth type 2. Identifiers: Orphanet 64746, MedGen C0270914, MONDO:0018993.

Allele frequency attached by ClinVar (database versions not stated): ESP Exome Variant Server 0.00008; gnomAD 0.00001; gnomAD exomes 0.00001; TOPMed 0.00002.
gnomAD v4.1: 16 of 1,614,076 alleles (0.00099%); highest among the groups gnomAD compares: African/African-American, 0.0013%; no homozygotes.

Submissions (2):

Ambry Genetics
Classification: Uncertain significance for Inborn genetic diseases. Last evaluated: 2025-05-21. Review status: criteria provided, single submitter. Criteria: Ambry Variant Classification Scheme 2023. Collection method: clinical testing. Allele origin: germline.

Labcorp Genetics (formerly Invitae), Labcorp
Classification: Uncertain significance for Charcot-Marie-Tooth disease type 2. Last evaluated: 2024-02-17. Review status: criteria provided, single submitter. Criteria: Invitae Variant Classification Sherloc (09022015). Collection method: clinical testing. Allele origin: germline.
Comment: This sequence change replaces aspartic acid, which is acidic and polar, with asparagine, which is neutral and polar, at codon 359 of the AARS protein (p.Asp359Asn). This variant is present in population databases (rs1130535, gnomAD 0.002%). This variant has not been reported in the literature in individuals affected with AARS-related conditions. ClinVar contains an entry for this variant (Variation ID: 864354). Advanced modeling of protein sequence and biophysical properties (such as structural, functional, and spatial information, amino acid conservation, physicochemical variation, residue mobility, and thermodynamic stability) performed at Invitae indicates that this missense variant is not expected to disrupt AARS protein function with a negative predictive value of 95%. In summary, the available evidence is currently insufficient to determine the role of this variant in disease. Therefore, it has been classified as a Variant of Uncertain Significance.

NM_001605.3(AARS1):c.1075G>A (p.Asp359Asn)

Gene: AARS1 (alanyl-tRNA synthetase 1; minus strand). Cytogenetic location: 16q22.1.
Variant type: single nucleotide variant.
Coding change: c.1075G>A on transcript NM_001605.3 (MANE Select); coding-DNA position 1075, G replaced by A.
Protein change: p.Asp359Asn; replaces aspartic acid 359 with asparagine.
Molecular consequence: missense variant.
Genome position (GRCh38, 1-based): chr16:70,267,806, C>T on the plus strand (G>A on the coding strand, the complement: AARS1 is on the minus strand). VCF-style: chr16-70267806-C-T. GRCh37 (hg19) VCF-style: chr16-70301709-C-T.
Other names: short protein forms D359N.
Identifiers: ClinVar variation 864354 (VCV000864354.12), dbSNP rs1130535, ClinGen allele CA283437917.